The following is an entry in ClinVar:

ClinVar aggregate classification (germline): Uncertain significance. Review status: criteria provided, multiple submitters, no conflicts (2 of 4 stars). 2 submissions from 2 submitters: Uncertain significance (2). Last evaluated 2025-04-16.

Conditions:
Inborn genetic diseases. Identifiers: MedGen C0950123, MeSH D030342.

Allele frequency attached by ClinVar (database versions not stated): gnomAD 0.00001.

Submissions (2):

Ambry Genetics
Classification: Uncertain significance for Inborn genetic diseases. Last evaluated: 2025-04-16. Review status: criteria provided, single submitter. Criteria: Ambry Variant Classification Scheme 2023. Collection method: clinical testing. Allele origin: germline.
Comment: The p.C144Y variant (also known as c.431G>A), located in coding exon 2 of the ERCC6L2 gene, results from a G to A substitution at nucleotide position 431. The cysteine at codon 144 is replaced by tyrosine, an amino acid with highly dissimilar properties. This amino acid position is conserved. In addition, this alteration is predicted to be deleterious by in silico analysis. Based on the available evidence, the clinical significance of this variant remains unclear.

Labcorp Genetics (formerly Invitae), Labcorp
Classification: Uncertain significance. Last evaluated: 2023-06-05. Review status: criteria provided, single submitter. Criteria: Invitae Variant Classification Sherloc (09022015). Collection method: clinical testing. Allele origin: germline.
Comment: In summary, the available evidence is currently insufficient to determine the role of this variant in disease. Therefore, it has been classified as a Variant of Uncertain Significance. Experimental studies and prediction algorithms are not available or were not evaluated, and the functional significance of this variant is currently unknown. This variant has not been reported in the literature in individuals affected with ERCC6L2-related conditions. This variant is present in population databases (no rsID available, gnomAD 0.007%). This sequence change replaces cysteine, which is neutral and slightly polar, with tyrosine, which is neutral and polar, at codon 155 of the ERCC6L2 protein (p.Cys155Tyr).

NM_020207.7(ERCC6L2):c.431G>A (p.Cys144Tyr)

Gene: ERCC6L2 (ERCC excision repair 6 like 2; plus strand). Cytogenetic location: 9q22.32.
Variant type: single nucleotide variant.
Coding change: c.431G>A on transcript NM_020207.7 (MANE Select); coding-DNA position 431, G replaced by A.
Protein change: p.Cys144Tyr; replaces cysteine 144 with tyrosine.
Molecular consequence: missense variant. On other transcripts: non-coding transcript variant (1).
Genome position (GRCh38, 1-based): chr9:95,881,253, G>A. VCF-style: chr9-95881253-G-A. GRCh37 (hg19) VCF-style: chr9-98643535-G-A.
Other names: c.431G>A, p.Cys144Tyr (NM_001010895.4, NM_001375291.1, NM_001375292.1 and 2 more transcripts); short protein forms C144Y.
Identifiers: ClinVar variation 2771407 (VCV002771407.4), dbSNP rs1188825563, ClinGen allele CA374117768.